The following is an entry in ClinVar:

ClinVar aggregate classification (germline): Uncertain significance (1 of 4 stars; one submission).

gnomAD v4.1: 1 of 1,614,080 alleles (0.000062%); highest among the groups gnomAD compares: African/African-American, 0.0013%; no homozygotes.

Submission:

GeneDx
Classification: Uncertain significance. Last evaluated: 2024-10-15. Review status: criteria provided, single submitter. Criteria: GeneDx Variant Classification Process June 2021. Collection method: clinical testing. Allele origin: germline. Affected: yes.
Comment: Not observed at significant frequency in large population cohorts (gnomAD); In silico analysis supports that this missense variant has a deleterious effect on protein structure/function; Has not been previously published as pathogenic or benign to our knowledge

NM_022455.5(NSD1):c.1001G>T (p.Arg334Leu)

Gene: NSD1 (nuclear receptor binding SET domain protein 1; plus strand). Cytogenetic location: 5q35.3.
Variant type: single nucleotide variant.
Coding change: c.1001G>T on transcript NM_022455.5 (MANE Select); coding-DNA position 1001, G replaced by T.
Protein change: p.Arg334Leu; replaces arginine 334 with leucine.
Molecular consequence: missense variant.
Genome position (GRCh38, 1-based): chr5:177,191,957, G>T. VCF-style: chr5-177191957-G-T. GRCh37 (hg19) VCF-style: chr5-176618958-G-T.
Other names: c.128G>T, p.Arg43Leu (NM_001365684.2, NM_001409305.1, NM_001409306.1 and 4 more transcripts); c.1001G>T, p.Arg334Leu (NM_001409301.1, NM_001409302.1, NM_001409303.1); c.581G>T, p.Arg194Leu (NM_001409304.1); short protein forms R194L, R334L, R43L.
Identifiers: ClinVar variation 3781189 (VCV003781189.1).